The following is an entry in ClinVar:

ClinVar aggregate classification (germline): Pathogenic/Likely pathogenic. Review status: criteria provided, multiple submitters, no conflicts (2 of 4 stars). 7 submissions from 7 submitters: Pathogenic (4); Likely pathogenic (2). 1 of the submissions does not count toward it. Last evaluated 2025-09-06.

Conditions:
MIRAGE syndrome. Also called: MYELODYSPLASIA, INFECTION, RESTRICTION OF GROWTH, ADRENAL HYPOPLASIA, GENITAL PHENOTYPES, AND ENTEROPATHY. Identifiers: Orphanet 494433, MedGen C4284088, MONDO:0014888, OMIM 617053.
SAMD9-related disorder. Also called: SAMD9-related condition.

Allele frequency attached by ClinVar (database versions not stated): gnomAD exomes below 0.00001.

Submissions (7):

PreventionGenetics, part of Exact Sciences
Classification: Pathogenic for SAMD9-related condition. Last evaluated: 2025-09-06. Review status: criteria provided, single submitter. Criteria: ACMG Guidelines, 2015. Collection method: clinical testing. Allele origin: germline.
Comment: The SAMD9 c.2945G>A variant is predicted to result in the amino acid substitution p.Arg982His. This variant has been reported as de novo in three individuals with MIRAGE syndrome or features consistent with SAMD9 related disorder (Buonocore et al 2017. PubMed ID: 28346228; Table S2, Bruel et al. 2019. PubMed ID: 31231135; Table S2, Bowling et al. 2021. PubMed ID: 34930662). An alternate nucleotide change affecting the same amino acid (p.Arg982Cys) has also been reported to be causative for MIRAGE syndrome (Buonocore et al 2017. PubMed ID: 28346228). This variant is not present in a large population database (gnomAD) and has been interpreted by other laboratories as pathogenic and likely pathogenic (ClinVar ID: 559913). This variant is interpreted as pathogenic.

Dasa
Classification: Likely pathogenic for MIRAGE syndrome. Last evaluated: 2025-08-26. Review status: criteria provided, single submitter. Criteria: DASA Assertion Criteria. Collection method: clinical testing. Allele origin: germline.
Comment: NM_017654.4(SAMD9):c.2945G>A (p.Arg982His) is a missense variant that results in the substitution of arginine with histidine. The affected residue or protein region has prior evidence supporting clinical relevance. This variant has been recurrently observed in individuals with SAMD9-related disorders (PMID: 38213203; PMID: 28346228). This variant has been reported as a de novo occurrence in an affected individual (PMID: 28346228). Also, this variant is rare in population databases. Based on the currently available evidence, this variant is classified as likely pathogenic.

Labcorp Genetics (formerly Invitae), Labcorp
Classification: Pathogenic. Last evaluated: 2025-05-19. Review status: criteria provided, single submitter. Criteria: Invitae Variant Classification Sherloc (09022015). Collection method: clinical testing. Allele origin: germline.
Comment: This sequence change replaces arginine, which is basic and polar, with histidine, which is basic and polar, at codon 982 of the SAMD9 protein (p.Arg982His). This variant is not present in population databases (gnomAD no frequency). This missense change has been observed in individual(s) with clinical features of MIRAGE syndrome (PMID: 28346228, 31231135, 34930662, 37044079; internal data). In at least one individual the variant was observed to be de novo. ClinVar contains an entry for this variant (Variation ID: 559913). Invitae Evidence Modeling of protein sequence and biophysical properties (such as structural, functional, and spatial information, amino acid conservation, physicochemical variation, residue mobility, and thermodynamic stability) indicates that this missense variant is not expected to disrupt SAMD9 protein function with a negative predictive value of 95%. This variant disrupts the p.Arg982 amino acid residue in SAMD9. Other variant(s) that disrupt this residue have been determined to be pathogenic (PMID: 28346228). This suggests that this residue is clinically significant, and that variants that disrupt this residue are likely to be disease-causing. For these reasons, this variant has been classified as Pathogenic.

GeneDx
Classification: Pathogenic. Last evaluated: 2023-03-30. Review status: criteria provided, single submitter. Criteria: GeneDx Variant Classification Process June 2021. Collection method: clinical testing. Allele origin: germline. Affected: yes.
Comment: Published functional studies suggest a damaging effect: gain of function variant resulting in decreased cell proliferation (Buonocore et al., 2017); Not observed at significant frequency in large population cohorts (gnomAD); In silico analysis supports that this missense variant has a deleterious effect on protein structure/function; This variant is associated with the following publications: (PMID: 31231135, 29217778, 28346228, 34258490, 34930662, 28545555, 27535533)

HudsonAlpha Institute for Biotechnology
Classification: Pathogenic for MIRAGE syndrome. Last evaluated: 2020-05-15. Review status: criteria provided, single submitter. Criteria: ACMG Guidelines, 2015. Collection method: research. Allele origin: de novo. Affected: yes. Observed: 1 variant allele. Study: CSER-SouthSeq.
Comment: ACMG codes: PS2, PS3, PM2, PP4

Equipe Genetique des Anomalies du Developpement, Université de Bourgogne
Classification: Likely pathogenic for MIRAGE syndrome. Last evaluated: 2016-11-01. Review status: criteria provided, single submitter. Criteria: ACMG Guidelines, 2015. Collection method: clinical testing. Allele origin: de novo. Affected: yes. Study: Clinvar_gadteam_Clinical_exome_analysis_3.

Diagnostic and Treatment Unit for Congenital Metabolic Diseases, Hopital Clínico Universitario de Santiago de Compostela (CHUS)
Classification: Likely pathogenic for MIRAGE syndrome. Last evaluated: 2021-11-10. Review status: no assertion criteria provided. Collection method: clinical testing. Allele origin: de novo. Inheritance: Autosomal dominant inheritance. Affected: yes. Observed: 1 heterozygote. Not counted in ClinVar's aggregate classification.

Literature cited by the submitters: PubMed 38213203 (cited by Dasa); PubMed 28346228 (cited by Dasa and Labcorp Genetics (formerly Invitae), Labcorp); PubMed 37044079 (cited by Dasa and Labcorp Genetics (formerly Invitae), Labcorp); PubMed 31231135 (cited by Labcorp Genetics (formerly Invitae), Labcorp); PubMed 34930662 (cited by Labcorp Genetics (formerly Invitae), Labcorp).

NM_017654.4(SAMD9):c.2945G>A (p.Arg982His)

Gene: SAMD9 (sterile alpha motif domain containing 9; minus strand). Cytogenetic location: 7q21.2.
Variant type: single nucleotide variant.
Coding change: c.2945G>A on transcript NM_017654.4 (MANE Select); coding-DNA position 2945, G replaced by A.
Protein change: p.Arg982His; replaces arginine 982 with histidine.
Molecular consequence: missense variant.
Genome position (GRCh38, 1-based): chr7:93,103,153, C>T on the plus strand (G>A on the coding strand, the complement: SAMD9 is on the minus strand). VCF-style: chr7-93103153-C-T. GRCh37 (hg19) VCF-style: chr7-92732466-C-T.
Other names: c.2945G>A, p.Arg982His (NM_001193307.2); short protein forms R982H.
Identifiers: ClinVar variation 559913 (VCV000559913.17), dbSNP rs1554336974, ClinGen allele CA368189192.